The following is an entry in ClinVar:

ClinVar aggregate classification (germline): Uncertain significance (1 of 4 stars; one submission).

Conditions:
Brugada syndrome 7 (BRGDA7). Identifiers: Orphanet 130, MedGen C2751088, MONDO:0013146, OMIM 613120.

Allele frequency attached by ClinVar (database versions not stated): gnomAD exomes below 0.00001; TOPMed below 0.00001; gnomAD 0.00001.
gnomAD v4.1: 2 of 1,613,932 alleles (0.00012%); highest among the groups gnomAD compares: East Asian, 0.0022%; no homozygotes.

Submission:

Labcorp Genetics (formerly Invitae), Labcorp
Classification: Uncertain significance for Brugada syndrome 7. Last evaluated: 2022-10-08. Review status: criteria provided, single submitter. Criteria: Invitae Variant Classification Sherloc (09022015). Collection method: clinical testing. Allele origin: germline.
Comment: This sequence change replaces histidine, which is basic and polar, with tyrosine, which is neutral and polar, at codon 81 of the SCN3B protein (p.His81Tyr). This variant is present in population databases (no rsID available, gnomAD 0.06%). This variant has not been reported in the literature in individuals affected with SCN3B-related conditions. Algorithms developed to predict the effect of missense changes on protein structure and function (SIFT, PolyPhen-2, Align-GVGD) all suggest that this variant is likely to be tolerated. In summary, the available evidence is currently insufficient to determine the role of this variant in disease. Therefore, it has been classified as a Variant of Uncertain Significance.

NM_001040151.2(SCN3B):c.241C>T (p.His81Tyr)

Gene: SCN3B (sodium voltage-gated channel beta subunit 3; minus strand). Cytogenetic location: 11q24.1.
Variant type: single nucleotide variant.
Coding change: c.241C>T on transcript NM_001040151.2 (MANE Select); coding-DNA position 241, C replaced by T.
Protein change: p.His81Tyr; replaces histidine 81 with tyrosine.
Molecular consequence: missense variant.
Genome position (GRCh38, 1-based): chr11:123,642,650, G>A on the plus strand (C>T on the coding strand, the complement: SCN3B is on the minus strand). VCF-style: chr11-123642650-G-A. GRCh37 (hg19) VCF-style: chr11-123513358-G-A.
Other names: c.241C>T, p.His81Tyr (NM_018400.4); short protein forms H81Y.
Identifiers: ClinVar variation 1714500 (VCV001714500.5), dbSNP rs1312541677, ClinGen allele CA383072576.